The following is an entry in ClinVar:

NM_003285.3(TNR):c.2627C>T (p.Thr876Ile)

Gene: TNR (tenascin R; minus strand). Cytogenetic location: 1q25.1.
Variant type: single nucleotide variant.
Coding change: c.2627C>T on transcript NM_003285.3 (MANE Select); coding-DNA position 2627, C replaced by T.
Protein change: p.Thr876Ile; replaces threonine 876 with isoleucine.
Molecular consequence: missense variant.
Genome position (GRCh38, 1-based): chr1:175,363,788, G>A on the plus strand (C>T on the coding strand, the complement: TNR is on the minus strand). VCF-style: chr1-175363788-G-A. GRCh37 (hg19) VCF-style: chr1-175332924-G-A.
Other names: c.1628C>T, p.Thr543Ile (NM_001328635.2); short protein forms T543I, T876I.
Identifiers: ClinVar variation 1702798 (VCV001702798.2), dbSNP rs746082642, ClinGen allele CA1255582.

ClinVar aggregate classification (germline): Uncertain significance (1 of 4 stars; one submission).

Allele frequency attached by ClinVar (database versions not stated): gnomAD 0.00001; ExAC 0.00002; gnomAD exomes 0.00003.
gnomAD v4.1: 55 of 1,613,642 alleles (0.0034%); highest among the groups gnomAD compares: Non-Finnish European, 0.0046%; no homozygotes.

Submission:

GeneDx
Classification: Uncertain significance. Last evaluated: 2022-02-14. Review status: criteria provided, single submitter. Criteria: GeneDx Variant Classification Process June 2021. Collection method: clinical testing. Allele origin: germline. Affected: yes.
Comment: In silico analysis supports that this missense variant has a deleterious effect on protein structure/function; Has not been previously published as pathogenic or benign to our knowledge